The following is an entry in ClinVar:

NM_006516.4(SLC2A1):c.50G>A (p.Gly17Glu)

Gene: SLC2A1 (solute carrier family 2 member 1; minus strand). Cytogenetic location: 1p34.2.
Variant type: single nucleotide variant.
Coding change: c.50G>A on transcript NM_006516.4 (MANE Select); coding-DNA position 50, G replaced by A.
Protein change: p.Gly17Glu; replaces glycine 17 with glutamic acid.
Molecular consequence: missense variant.
Genome position (GRCh38, 1-based): chr1:42,943,290, C>T on the plus strand (G>A on the coding strand, the complement: SLC2A1 is on the minus strand). VCF-style: chr1-42943290-C-T. GRCh37 (hg19) VCF-style: chr1-43408961-C-T.
Other names: short protein forms G17E.
Identifiers: ClinVar variation 471347 (VCV000471347.7), dbSNP rs1553156840, ClinGen allele CA339964860.

ClinVar aggregate classification (germline): Uncertain significance (1 of 4 stars; one submission).

Conditions:
GLUT1 deficiency syndrome 1, autosomal recessive. Identifiers: MedGen C3149117.

Allele frequency attached by ClinVar (database versions not stated): gnomAD 0.00001.
gnomAD v4.1: 1 of 1,613,808 alleles (0.000062%); highest among the groups gnomAD compares: Non-Finnish European, 0.000085%; no homozygotes.

Submission:

Labcorp Genetics (formerly Invitae), Labcorp
Classification: Uncertain significance for GLUT1 deficiency syndrome 1, autosomal recessive. Last evaluated: 2022-10-13. Review status: criteria provided, single submitter. Criteria: Invitae Variant Classification Sherloc (09022015). Collection method: clinical testing. Allele origin: germline.
Comment: In summary, the available evidence is currently insufficient to determine the role of this variant in disease. Therefore, it has been classified as a Variant of Uncertain Significance. Advanced modeling performed at Invitae incorporating data from internal and/or published experimental studies (Invitae) indicates that this missense variant is expected to disrupt SLC2A1 function. ClinVar contains an entry for this variant (Variation ID: 471347). This variant has not been reported in the literature in individuals affected with SLC2A1-related conditions. This variant is not present in population databases (gnomAD no frequency). This sequence change replaces glycine, which is neutral and non-polar, with glutamic acid, which is acidic and polar, at codon 17 of the SLC2A1 protein (p.Gly17Glu).